The following is an entry in ClinVar:

NC_000012.11:g.(?_66838344)_(67072684_?)del

Gene: GRIP1 (glutamate receptor interacting protein 1; minus strand). Cytogenetic location: 12q14.3.
Variant type: Deletion.
Identifiers: ClinVar variation 3244435 (VCV003244435.1).

ClinVar aggregate classification (germline): Pathogenic (1 of 4 stars; one submission).

Submission:

Labcorp Genetics (formerly Invitae), Labcorp
Classification: Pathogenic. Last evaluated: 2023-05-19. Review status: criteria provided, single submitter. Criteria: Invitae Variant Classification Sherloc (09022015). Collection method: clinical testing. Allele origin: unknown.
Comment: For these reasons, this variant has been classified as Pathogenic. This variant has not been reported in the literature in individuals affected with GRIP1-related conditions. This variant is a gross deletion of the genomic region encompassing exon(s) 1-12 of the GRIP1 gene, which includes the initiator codon. This deletion extends beyond the assayed region for this gene and therefore may encompass additional genes. It is expected to result in an absent or disrupted protein product. Loss-of-function variants in GRIP1 are known to be pathogenic (PMID: 22510445, 24357607).

Literature cited by the submitters: PubMed 22510445; PubMed 24357607.